The following is an entry in ClinVar:

NM_001875.5(CPS1):c.3336+2T>A

Gene: CPS1 (carbamoyl-phosphate synthase 1; plus strand). Cytogenetic location: 2q34.
Variant type: single nucleotide variant.
Coding change: c.3336+2T>A on transcript NM_001875.5 (MANE Select); the canonical splice donor site of the intron after coding-DNA position 3336, T replaced by A.
Molecular consequence: splice donor variant.
Genome position (GRCh38, 1-based): chr2:210,648,059, T>A. VCF-style: chr2-210648059-T-A. GRCh37 (hg19) VCF-style: chr2-211512783-T-A.
Other names: c.3336+2T>A (NM_001369257.1, NM_001122633.3); c.3369+2T>A (NM_001369256.1).
Identifiers: ClinVar variation 2680888 (VCV002680888.4), dbSNP rs1272460783, ClinGen allele CA350436435.
Genomic context (GRCh38, chr2:210,648,059, plus strand): 5'-CAGCTGTCTTGGATGAGCTGAAGGTGGCTCAGGCACCTTGGAAAGCTGTTAATACTTTGG[T>A]AAGGAGAGAAACAAGTATCTGTTTCTAATGTTCTATTTTGAAGAGCTGCAACCTGAATGT-3'

ClinVar aggregate classification (germline): Pathogenic/Likely pathogenic. Review status: criteria provided, multiple submitters, no conflicts (2 of 4 stars). 2 submissions from 2 submitters: Pathogenic (1); Likely pathogenic (1). Last evaluated 2023-08-11.

Conditions:
Pulmonary hypertension, neonatal, susceptibility to (PHN). Identifiers: MedGen C3714958, MONDO:0014151, OMIM 615371.
Congenital hyperammonemia, type I. Also called: Carbamoyl-phosphate synthase I deficiency; CPS I DEFICIENCY; Carbamoyl phosphate synthetase I deficiency disease; Carbamoyl phosphate synthetase 1 deficiency; Hyperammonemia due to carbamoyl phosphate synthetase 1 deficiency; CPS 1 deficiency. Identifiers: Orphanet 147, MedGen C4082171, MONDO:0009376, OMIM 237300.

Submissions (2):

Labcorp Genetics (formerly Invitae), Labcorp
Classification: Pathogenic for Congenital hyperammonemia, type I. Last evaluated: 2023-08-11. Review status: criteria provided, single submitter. Criteria: Invitae Variant Classification Sherloc (09022015). Collection method: clinical testing. Allele origin: germline.
Comment: For these reasons, this variant has been classified as Pathogenic. Algorithms developed to predict the effect of sequence changes on RNA splicing suggest that this variant may disrupt the consensus splice site. Disruption of this splice site has been observed in individual(s) with carbamoyl phosphate synthetase I deficiency (Invitae). In at least one individual the data is consistent with being in trans (on the opposite chromosome) from a pathogenic variant. This variant is not present in population databases (gnomAD no frequency). This sequence change affects a donor splice site in intron 26 of the CPS1 gene. It is expected to disrupt RNA splicing. Variants that disrupt the donor or acceptor splice site typically lead to a loss of protein function (PMID: 16199547), and loss-of-function variants in CPS1 are known to be pathogenic (PMID: 21120950).

Baylor Genetics
Classification: Likely pathogenic for Pulmonary hypertension, neonatal, susceptibility to. Last evaluated: 2023-05-25. Review status: criteria provided, single submitter. Criteria: ACMG Guidelines, 2015. Collection method: clinical testing. Allele origin: unknown.

Literature cited by the submitters: PubMed 16199547 (cited by Labcorp Genetics (formerly Invitae), Labcorp); PubMed 21120950 (cited by Labcorp Genetics (formerly Invitae), Labcorp).